The following is an entry in ClinVar:

ClinVar aggregate classification (germline): Uncertain significance. Review status: criteria provided, multiple submitters, no conflicts (2 of 4 stars). 4 submissions from 4 submitters: Uncertain significance (4). Last evaluated 2025-04-13.

Conditions:
Hereditary cancer-predisposing syndrome. Also called: Neoplastic Syndromes, Hereditary; Tumor predisposition; Hereditary Cancer Syndrome; Hereditary neoplastic syndrome. Identifiers: Orphanet 140162, MedGen C0027672, MeSH D009386, MONDO:0015356.
Familial adenomatous polyposis 1 (FAP1). Also called: FAMILIAL ADENOMATOUS POLYPOSIS 1, ATTENUATED; POLYPOSIS, ADENOMATOUS INTESTINAL. Identifiers: MedGen C2713442, MONDO:0021056, OMIM 175100. Disease mechanism: loss of function.

Allele frequency attached by ClinVar (database versions not stated): gnomAD 0.00001; TOPMed 0.00001.
gnomAD v4.1: 1 of 1,614,122 alleles (0.000062%); highest among the groups gnomAD compares: African/African-American, 0.0013%; no homozygotes.

Submissions (4):

Ambry Genetics
Classification: Uncertain significance for Hereditary cancer-predisposing syndrome. Last evaluated: 2025-04-13. Review status: criteria provided, single submitter. Criteria: Ambry Variant Classification Scheme 2023. Collection method: clinical testing. Allele origin: germline.
Comment: The p.S925G variant (also known as c.2773A>G), located in coding exon 15 of the APC gene, results from an A to G substitution at nucleotide position 2773. The serine at codon 925 is replaced by glycine, an amino acid with similar properties. This amino acid position is not well conserved in available vertebrate species. In addition, in silico predictors for this gene do not accurately predict pathogenicity. Since supporting evidence is limited at this time, the clinical significance of this alteration remains unclear.

Labcorp Genetics (formerly Invitae), Labcorp
Classification: Uncertain significance for Familial adenomatous polyposis 1. Last evaluated: 2024-08-27. Review status: criteria provided, single submitter. Criteria: Invitae Variant Classification Sherloc (09022015). Collection method: clinical testing. Allele origin: germline.
Comment: This sequence change replaces serine, which is neutral and polar, with glycine, which is neutral and non-polar, at codon 925 of the APC protein (p.Ser925Gly). This variant is not present in population databases (gnomAD no frequency). This variant has not been reported in the literature in individuals affected with APC-related conditions. ClinVar contains an entry for this variant (Variation ID: 919843). Invitae Evidence Modeling of protein sequence and biophysical properties (such as structural, functional, and spatial information, amino acid conservation, physicochemical variation, residue mobility, and thermodynamic stability) indicates that this missense variant is not expected to disrupt APC protein function with a negative predictive value of 95%. In summary, the available evidence is currently insufficient to determine the role of this variant in disease. Therefore, it has been classified as a Variant of Uncertain Significance.

Baylor Genetics
Classification: Uncertain significance for Familial adenomatous polyposis 1. Last evaluated: 2023-09-13. Review status: criteria provided, single submitter. Criteria: ACMG Guidelines, 2015. Collection method: clinical testing. Allele origin: unknown.

Color Diagnostics, LLC DBA Color Health
Classification: Uncertain significance for Hereditary cancer-predisposing syndrome. Last evaluated: 2021-04-20. Review status: criteria provided, single submitter. Criteria: ACMG Guidelines, 2015. Collection method: clinical testing. Allele origin: germline.
Comment: This missense variant replaces serine with glycine at codon 925 of the APC protein. Computational prediction suggests that this variant may not impact protein structure and function (internally defined REVEL score threshold <= 0.5, PMID: 27666373). To our knowledge, functional studies have not been reported for this variant. This variant has not been reported in individuals affected with hereditary cancer in the literature. This variant has not been identified in the general population by the Genome Aggregation Database (gnomAD). The available evidence is insufficient to determine the role of this variant in disease conclusively. Therefore, this variant is classified as a Variant of Uncertain Significance.

NM_000038.6(APC):c.2773A>G (p.Ser925Gly)

Gene: APC (APC regulator of Wnt signaling pathway; plus strand). Cytogenetic location: 5q22.2.
Variant type: single nucleotide variant.
Coding change: c.2773A>G on transcript NM_000038.6 (MANE Select); coding-DNA position 2773, A replaced by G.
Protein change: p.Ser925Gly; replaces serine 925 with glycine.
Molecular consequence: missense variant.
Genome position (GRCh38, 1-based): chr5:112,838,367, A>G. VCF-style: chr5-112838367-A-G. GRCh37 (hg19) VCF-style: chr5-112174064-A-G.
Other names: c.2773A>G, p.Ser925Gly (NM_001127510.3, NM_001354895.2); c.2719A>G, p.Ser907Gly (NM_001127511.3); c.2827A>G, p.Ser943Gly (NM_001354896.2); c.2803A>G, p.Ser935Gly (NM_001354897.2); c.2698A>G, p.Ser900Gly (NM_001354898.2); c.2689A>G, p.Ser897Gly (NM_001354899.2); c.2650A>G, p.Ser884Gly (NM_001354900.2); c.2596A>G, p.Ser866Gly (NM_001354901.2); and 5 more; short protein forms S824G, S866G, S900G, S907G, S642G, S935G, S765G, S834G.
Identifiers: ClinVar variation 919843 (VCV000919843.11), dbSNP rs1253241630, ClinGen allele CA16027381.